The following is an entry in ClinVar:

ClinVar aggregate classification (germline): Benign (1 of 4 stars; one submission).

Conditions:
Joubert syndrome 15 (JBTS15). Identifiers: Orphanet 475, MedGen C3280897, MONDO:0013763, OMIM 614464.

Allele frequency attached by ClinVar (database versions not stated): 1000 Genomes Project 30x 0.00703; 1000 Genomes Project 0.00719; TOPMed 0.01240; gnomAD 0.01355 and 0.01357; gnomAD exomes 0.01466 and 0.01533; ExAC 0.02081.
gnomAD v4.1: 6,693 of 454,018 alleles (1.5%); highest among the groups gnomAD compares: Middle Eastern, 2.7%; 87 homozygotes.

Submission:

Illumina Laboratory Services, Illumina
Classification: Benign for Joubert syndrome 15. Last evaluated: 2018-01-12. Review status: criteria provided, single submitter. Criteria: ICSL Variant Classification Criteria 13 December 2019. Collection method: clinical testing. Allele origin: germline.
Comment: This variant was observed in the ICSL laboratory as part of a predisposition screen in an ostensibly healthy population. It had not been previously curated by ICSL or reported in the Human Gene Mutation Database (HGMD: prior to June 1st, 2018), and was therefore a candidate for classification through an automated scoring system. Utilizing variant allele frequency, disease prevalence and penetrance estimates, and inheritance mode, an automated score was calculated to assess if this variant is too frequent to cause the disease. Based on the score and internal cut-off values, a variant classified as benign is not then subjected to further curation. The score for this variant resulted in a classification of benign for this disease.

NM_018718.3(CEP41):c.*3507C>T

Gene: CEP41 (centrosomal protein 41; minus strand). Cytogenetic location: 7q32.2.
Variant type: single nucleotide variant.
Coding change: c.*3507C>T on transcript NM_018718.3 (MANE Select); 3507 bases downstream of the stop codon, C replaced by T.
Molecular consequence: 3 prime UTR variant. On other transcripts: non-coding transcript variant (1).
Genome position (GRCh38, 1-based): chr7:130,395,384, G>A on the plus strand (C>T on the coding strand, the complement: CEP41 is on the minus strand). VCF-style: chr7-130395384-G-A. GRCh37 (hg19) VCF-style: chr7-130035225-G-A.
Other names: c.*3507C>T (NM_001257158.2, NM_001257159.2).
Identifiers: ClinVar variation 358906 (VCV000358906.5), dbSNP rs149385617, ClinGen allele CA4485168.